The following is an entry in ClinVar:

NM_003482.4(KMT2D):c.14701C>G (p.Leu4901Val)

Gene: KMT2D (lysine methyltransferase 2D; minus strand). Cytogenetic location: 12q13.12.
Variant type: single nucleotide variant.
Coding change: c.14701C>G on transcript NM_003482.4 (MANE Select); coding-DNA position 14701, C replaced by G.
Protein change: p.Leu4901Val; replaces leucine 4901 with valine.
Molecular consequence: missense variant.
Genome position (GRCh38, 1-based): chr12:49,027,265, G>C on the plus strand (C>G on the coding strand, the complement: KMT2D is on the minus strand). VCF-style: chr12-49027265-G-C. GRCh37 (hg19) VCF-style: chr12-49421048-G-C.
Other names: short protein forms L4901V.
Identifiers: ClinVar variation 2085504 (VCV002085504.23), dbSNP rs781467355, ClinGen allele CA6545679.

ClinVar aggregate classification (germline): Conflicting classifications of pathogenicity. Review status: criteria provided, conflicting classifications (1 of 4 stars). 5 submissions from 5 submitters: Uncertain significance (2); Likely benign (3). Last evaluated 2025-12-23.

Conditions:
Kabuki syndrome. Also called: Kabuki make-up syndrome; NIIKAWA-KUROKI SYNDROME. Identifiers: Orphanet 2322, MedGen C0796004, MONDO:0016512.
KMT2D-related disorder. Also called: KMT2D-Related Disorders.

Allele frequency attached by ClinVar (database versions not stated): ExAC 0.00004; gnomAD exomes 0.00004; TOPMed 0.00005; gnomAD 0.00009.
gnomAD v4.1: 66 of 1,555,520 alleles (0.0042%); highest among the groups gnomAD compares: Non-Finnish European, 0.0055%; no homozygotes.

Submissions (5):

PreventionGenetics, part of Exact Sciences
Classification: Uncertain significance for KMT2D-related condition. Last evaluated: 2025-12-23. Review status: criteria provided, single submitter. Criteria: ACMG Guidelines, 2015. Collection method: clinical testing. Allele origin: germline.
Comment: The KMT2D c.14701C>G variant is predicted to result in the amino acid substitution p.Leu4901Val. This variant has been reported as germline variant in a cohort study of women with a personal or family history of breast cancer (Pereira et al. 2022. PubMed ID: 35980532). This variant is reported in 0.018% of alleles in individuals of European (Non-Finnish) descent in gnomAD which is likely too common to be a primary cause of disease. Although we suspect that this variant may be benign, at this time, the clinical significance of this variant is uncertain due to the absence of conclusive functional and genetic evidence.

Labcorp Genetics (formerly Invitae), Labcorp
Classification: Likely benign for Kabuki syndrome. Last evaluated: 2025-12-01. Review status: criteria provided, single submitter. Criteria: Invitae Variant Classification Sherloc (09022015). Collection method: clinical testing. Allele origin: germline.

Laboratory of Genetics, Children's Clinical University Hospital Latvia
Classification: Likely benign. Last evaluated: 2025-02-16. Review status: criteria provided, single submitter. Criteria: ACMG Guidelines, 2015. Collection method: clinical testing. Allele origin: germline. Affected: yes.

CeGaT Center for Human Genetics Tuebingen
Classification: Likely benign. Last evaluated: 2024-11-01. Review status: criteria provided, single submitter. Criteria: CeGaT Center For Human Genetics Tuebingen Variant Classification Criteria Version 2. Collection method: clinical testing. Allele origin: germline. Affected: yes. Observed: 1 variant allele.
Comment: KMT2D: BS2

Revvity Omics, Revvity
Classification: Uncertain significance. Last evaluated: 2019-09-12. Review status: criteria provided, single submitter. Criteria: ACMG Guidelines, 2015. Collection method: clinical testing. Allele origin: germline.